The following is an entry in ClinVar:

NM_001048174.2(MUTYH):c.304G>T (p.Val102Leu)

Gene: MUTYH (mutY DNA glycosylase; minus strand). Cytogenetic location: 1p34.1.
Variant type: single nucleotide variant.
Coding change: c.304G>T on transcript NM_001048174.2 (MANE Select); coding-DNA position 304, G replaced by T.
Protein change: p.Val102Leu; replaces valine 102 with leucine.
Molecular consequence: missense variant. On other transcripts: non-coding transcript variant (7), synonymous variant (3).
Genome position (GRCh38, 1-based): chr1:45,333,285, C>A on the plus strand (G>T on the coding strand, the complement: MUTYH is on the minus strand). VCF-style: chr1-45333285-C-A. GRCh37 (hg19) VCF-style: chr1-45798957-C-A.
Other names: c.304G>T, p.Val102Leu (NM_001048171.2, NM_001048173.2, NM_001293195.2 and 6 more transcripts); c.307G>T, p.Val103Leu (NM_001048172.2, NM_001407071.1, NM_001407078.1 and 2 more transcripts); c.388G>T, p.Val130Leu (NM_001128425.2); c.349G>T, p.Val117Leu (NM_001293190.2); c.337G>T, p.Val113Leu (NM_001293191.2, NM_001407077.1); c.28G>T, p.Val10Leu (NM_001293192.2, NM_001293196.2, NM_001407091.1); c.33G>T, p.Leu11= (NM_001350650.2, NM_001350651.2, NM_001407082.1); c.379G>T, p.Val127Leu (NM_001407069.1, NM_012222.3); and 3 more; short protein forms V102L, V109L, V116L, V103L, V10L, V127L, V130L, V74L.
Identifiers: ClinVar variation 4659719 (VCV004659719.1).

ClinVar aggregate classification (germline): Uncertain significance (1 of 4 stars; one submission).

Conditions:
Hereditary cancer-predisposing syndrome. Also called: Neoplastic Syndromes, Hereditary; Tumor predisposition; Hereditary Cancer Syndrome; Hereditary neoplastic syndrome. Identifiers: Orphanet 140162, MedGen C0027672, MeSH D009386, MONDO:0015356.

Submission:

Ambry Genetics
Classification: Uncertain significance for Hereditary cancer-predisposing syndrome. Last evaluated: 2025-10-14. Review status: criteria provided, single submitter. Criteria: Ambry Variant Classification Scheme 2023. Collection method: clinical testing. Allele origin: germline.
Comment: The c.388G>T variant (also known as p.V130L), located in coding exon 4 of the MUTYH gene, results from a G to T substitution at nucleotide position 388. The amino acid change results in valine to leucine at codon 130, an amino acid with highly similar properties. However, this change occurs in the last base pair of coding exon 4, which makes it likely to have some effect on normal mRNA splicing. This nucleotide position is highly conserved in available vertebrate species. This amino acid position is highly conserved in available vertebrate species. In silico splice site analysis predicts that this alteration will weaken the native splice donor site; however, direct evidence is insufficient at this time (Ambry internal data). Based on the available evidence, the clinical significance of this variant remains unclear.